The following is an entry in ClinVar:

ClinVar aggregate classification (germline): Uncertain significance (1 of 4 stars; one submission).

Conditions:
Fanconi anemia (FA). Also called: Fanconi's anemia. Identifiers: Orphanet 84, MedGen C0015625, MeSH D005199, MONDO:0019391.

Submission:

Sema4
Classification: Uncertain significance for Fanconi anemia. Last evaluated: 2022-01-25. Review status: criteria provided, single submitter. Criteria: Sema4 Curation Guidelines. Collection method: curation. Allele origin: germline.
Comment: The SLX4 c.1115G>T (p.R372L) variant has not been reported in the literature to our knowledge. It was not observed in in the large and broad cohorts of the Genome Aggregation Database (PMID: 32461654), nor in ClinVar. Functional studies have not been performed, and in silico predictions of the variant's effect on protein function are inconclusive. The evidence is insufficient to meet ACMG/AMP criteria for classifying the variant as benign or pathogenic. Thus, the clinical significance of this variant is currently uncertain.

NM_032444.4(SLX4):c.1115G>T (p.Arg372Leu)

Gene: SLX4 (SLX4 structure-specific endonuclease subunit; minus strand). Cytogenetic location: 16p13.3.
Variant type: single nucleotide variant.
Coding change: c.1115G>T on transcript NM_032444.4 (MANE Select); coding-DNA position 1115, G replaced by T.
Protein change: p.Arg372Leu; replaces arginine 372 with leucine.
Molecular consequence: missense variant.
Genome position (GRCh38, 1-based): chr16:3,601,027, C>A on the plus strand (G>T on the coding strand, the complement: SLX4 is on the minus strand). VCF-style: chr16-3601027-C-A. GRCh37 (hg19) VCF-style: chr16-3651028-C-A.
Other names: short protein forms R372L.
Identifiers: ClinVar variation 1691992 (VCV001691992.1), dbSNP rs372956623, ClinGen allele CA394531433.